The following is an entry in ClinVar:

NM_198252.3(GSN):c.1665G>A (p.Val555=)

Gene: GSN (gelsolin; plus strand). Cytogenetic location: 9q33.2.
Variant type: single nucleotide variant.
Coding change: c.1665G>A on transcript NM_198252.3 (MANE Select); coding-DNA position 1665, G replaced by A.
Protein change: p.Val555=; no amino-acid change (valine 555 retained).
Molecular consequence: synonymous variant.
Genome position (GRCh38, 1-based): chr9:121,327,385, G>A. VCF-style: chr9-121327385-G-A. GRCh37 (hg19) VCF-style: chr9-124089663-G-A.
Other names: c.1818G>A, p.Val606= (NM_000177.5); c.1665G>A, p.Val555= (NM_001127662.2, NM_001127664.2, NM_001127665.2 and 10 more transcripts); c.1773G>A, p.Val591= (NM_001127663.2); c.1698G>A, p.Val566= (NM_001127666.2, NM_001127667.2, NM_001353063.2 and 13 more transcripts); c.1716G>A, p.Val572= (NM_001258029.2); c.1689G>A, p.Val563= (NM_001258030.2); c.1737G>A, p.Val579= (NM_001353076.2); c.1011G>A, p.Val337= (NM_001353078.2); and 1 more.
Identifiers: ClinVar variation 1583081 (VCV001583081.9), dbSNP rs374022157, ClinGen allele CA5221376.

ClinVar aggregate classification (germline): Likely benign. Review status: criteria provided, multiple submitters, no conflicts (2 of 4 stars). 2 submissions from 2 submitters: Likely benign (2). Last evaluated 2026-05-25.

Conditions:
GSN-related disorder. Also called: GSN-related condition.

Allele frequency attached by ClinVar (database versions not stated): gnomAD 0.00002; gnomAD exomes 0.00002 and 0.00003; TOPMed 0.00003; ExAC 0.00004; ESP Exome Variant Server 0.00008.
gnomAD v4.1: 29 of 1,613,604 alleles (0.0018%); highest among the groups gnomAD compares: African/African-American, 0.0013%; no homozygotes.

Submissions (2):

PreventionGenetics, part of Exact Sciences
Classification: Likely benign for GSN-related condition. Last evaluated: 2026-05-25. Review status: criteria provided, single submitter. Criteria: ACMG Guidelines, 2015. Collection method: clinical testing. Allele origin: germline.
Comment: This variant is classified as likely benign based on ACMG/AMP sequence variant interpretation guidelines (Richards et al. 2015 PMID: 25741868, with internal and published modifications).

Labcorp Genetics (formerly Invitae), Labcorp
Classification: Likely benign. Last evaluated: 2024-10-13. Review status: criteria provided, single submitter. Criteria: Invitae Variant Classification Sherloc (09022015). Collection method: clinical testing. Allele origin: germline.